The following is an entry in ClinVar:

NM_000168.6(GLI3):c.2098C>T (p.Pro700Ser)

Gene: GLI3 (GLI family zinc finger 3; minus strand). Cytogenetic location: 7p14.1.
Variant type: single nucleotide variant.
Coding change: c.2098C>T on transcript NM_000168.6 (MANE Select); coding-DNA position 2098, C replaced by T.
Protein change: p.Pro700Ser; replaces proline 700 with serine.
Molecular consequence: missense variant.
Genome position (GRCh38, 1-based): chr7:41,972,342, G>A on the plus strand (C>T on the coding strand, the complement: GLI3 is on the minus strand). VCF-style: chr7-41972342-G-A. GRCh37 (hg19) VCF-style: chr7-42011941-G-A.
Other names: short protein forms P700S.
Identifiers: ClinVar variation 837391 (VCV000837391.1), dbSNP rs1583741492, ClinGen allele CA367321821.

ClinVar aggregate classification (germline): Uncertain significance (1 of 4 stars; one submission).

Conditions:
Pallister-Hall syndrome (PHS). Also called: GLI3-Related Pallister-Hall Syndrome; HYPOTHALAMIC HAMARTOBLASTOMA, HYPOPITUITARISM, IMPERFORATE ANUS, AND POSTAXIAL POLYDACTYLY. Identifiers: Orphanet 672, MedGen C0265220, MONDO:0007804, OMIM 146510.
Greig cephalopolysyndactyly syndrome (GCPS). Also called: POLYSYNDACTYLY WITH PECULIAR SKULL SHAPE; GLI3-Related Greig Cephalopolysyndactyly Syndrome; Greig syndrome. Identifiers: Orphanet 380, MedGen C0265306, MONDO:0008287, OMIM 175700.

Allele frequency attached by ClinVar (database versions not stated): gnomAD exomes below 0.00001.
gnomAD v4.1: 1 of 1,613,786 alleles (0.000062%); highest among the groups gnomAD compares: Non-Finnish European, 0.000085%; no homozygotes.

Submission:

Labcorp Genetics (formerly Invitae), Labcorp
Classification: Uncertain significance for Pallister-Hall syndrome; Greig cephalopolysyndactyly syndrome. Last evaluated: 2019-12-27. Review status: criteria provided, single submitter. Criteria: Invitae Variant Classification Sherloc (09022015). Collection method: clinical testing. Allele origin: germline.
Comment: This sequence change replaces proline with serine at codon 700 of the GLI3 protein (p.Pro700Ser). The proline residue is highly conserved and there is a moderate physicochemical difference between proline and serine. This variant is not present in population databases (ExAC no frequency). This variant has not been reported in the literature in individuals with GLI3-related conditions. Algorithms developed to predict the effect of missense changes on protein structure and function are either unavailable or do not agree on the potential impact of this missense change (SIFT: "Deleterious"; PolyPhen-2: "Benign"; Align-GVGD: "Class C65"). In summary, the available evidence is currently insufficient to determine the role of this variant in disease. Therefore, it has been classified as a Variant of Uncertain Significance.